The following is an entry in ClinVar:

ClinVar aggregate classification (germline): Pathogenic (1 of 4 stars; one submission).

Conditions:
Hereditary cancer-predisposing syndrome. Also called: Hereditary Cancer Syndrome; Hereditary neoplastic syndrome; Neoplastic Syndromes, Hereditary; Tumor predisposition. Identifiers: Orphanet 140162, MedGen C0027672, MeSH D009386, MONDO:0015356.

Submission:

Ambry Genetics
Classification: Pathogenic for Hereditary cancer-predisposing syndrome. Last evaluated: 2021-06-01. Review status: criteria provided, single submitter. Criteria: Ambry Variant Classification Scheme 2023. Collection method: clinical testing. Allele origin: germline.
Comment: The c.1293delT pathogenic mutation, located in coding exon 10 of the SDHA gene, results from a deletion of one nucleotide at nucleotide position 1293, causing a translational frameshift with a predicted alternate stop codon (p.I431Mfs*39). This alteration is expected to result in loss of function by premature protein truncation or nonsense-mediated mRNA decay. As such, this alteration is interpreted as a disease-causing mutation.

NM_004168.4(SDHA):c.1293del (p.Ile431fs)

Gene: SDHA (succinate dehydrogenase complex flavoprotein subunit A; plus strand). Cytogenetic location: 5p15.33.
Variant type: Deletion.
Coding change: c.1293del on transcript NM_004168.4 (MANE Select); coding-DNA position 1293, one base deleted (T; older notation c.1293delT).
Protein change: p.Ile431fs; shifts the reading frame from isoleucine 431.
Molecular consequence: frameshift variant.
Genome position (GRCh38, 1-based): chr5:236,460, T deleted; the last of 2 consecutive T bases (chr5:236,459-236,460); deleting either gives the same sequence. VCF-style (leftmost placement, unchanged base first): chr5-236458-AT-A. GRCh37 (hg19) VCF-style: chr5-236573-AT-A.
Other names: c.1149del, p.Ile383fs (NM_001294332.2); c.1293del, p.Ile431fs (NM_001330758.2); short protein forms I383fs, I431fs.
Identifiers: ClinVar variation 1769163 (VCV001769163.2), dbSNP rs2477374740, ClinGen allele CA2580073069.
Genomic context (GRCh38, chr5:236,458, plus strand): 5'-ACATTTCACCTGAAATCTTCCTTTCCACAGGTCCTGAGGCACGTGAATGGCCAGGATCAG[AT>A]TGTGCCCGGCCTGTACGCCTGTGGGGAGGCCGCCTGTGCCTCGGTACATGGTGCCAACCG-3'